The following is an entry in ClinVar:

NM_000260.4(MYO7A):c.5899del (p.Arg1967fs)

Gene: MYO7A (myosin VIIA; plus strand). Cytogenetic location: 11q13.5.
Variant type: Deletion.
Coding change: c.5899del on transcript NM_000260.4 (MANE Select); coding-DNA position 5899, one base deleted (C; older notation c.5899delC).
Protein change: p.Arg1967fs; shifts the reading frame from arginine 1967.
Molecular consequence: frameshift variant.
Genome position (GRCh38, 1-based): chr11:77,208,472, C deleted. VCF-style (leftmost placement, unchanged base first): chr11-77208471-TC-T. GRCh37 (hg19) VCF-style: chr11-76919516-TC-T.
Other names: c.5785del, p.Arg1929fs (NM_001127180.2); c.5752del, p.Arg1918fs (NM_001369365.1); short protein forms R1929fs, R1918fs, R1967fs.
Identifiers: ClinVar variation 2783358 (VCV002783358.3), dbSNP rs2497752614, ClinGen allele CA2739270721.

ClinVar aggregate classification (germline): Pathogenic (1 of 4 stars; one submission).

Submission:

Labcorp Genetics (formerly Invitae), Labcorp
Classification: Pathogenic. Last evaluated: 2023-10-05. Review status: criteria provided, single submitter. Criteria: Invitae Variant Classification Sherloc (09022015). Collection method: clinical testing. Allele origin: germline.
Comment: This sequence change creates a premature translational stop signal (p.Arg1967Aspfs*3) in the MYO7A gene. It is expected to result in an absent or disrupted protein product. Loss-of-function variants in MYO7A are known to be pathogenic (PMID: 8900236, 25404053). This variant is not present in population databases (gnomAD no frequency). This variant has not been reported in the literature in individuals affected with MYO7A-related conditions. Algorithms developed to predict the effect of sequence changes on RNA splicing suggest that this variant may disrupt the consensus splice site. For these reasons, this variant has been classified as Pathogenic.

Literature cited by the submitters: PubMed 8900236; PubMed 25404053.